The following is an entry in ClinVar:

ClinVar aggregate classification (germline): Uncertain significance (1 of 4 stars; one submission).

Allele frequency attached by ClinVar (database versions not stated): ExAC 0.00002.
gnomAD v4.1: 2 of 1,614,180 alleles (0.00012%); highest among the groups gnomAD compares: Non-Finnish European, 0.00017%; no homozygotes.

Submission:

Labcorp Genetics (formerly Invitae), Labcorp
Classification: Uncertain significance. Last evaluated: 2023-06-27. Review status: criteria provided, single submitter. Criteria: Invitae Variant Classification Sherloc (09022015). Collection method: clinical testing. Allele origin: germline.
Comment: In summary, the available evidence is currently insufficient to determine the role of this variant in disease. Therefore, it has been classified as a Variant of Uncertain Significance. An algorithm developed to predict the effect of missense changes on protein structure and function (PolyPhen-2) suggests that this variant is likely to be tolerated. ClinVar contains an entry for this variant (Variation ID: 1924819). This variant has not been reported in the literature in individuals affected with CTNNB1-related conditions. This variant is present in population databases (rs746895877, gnomAD 0.0009%). This sequence change replaces histidine, which is basic and polar, with arginine, which is basic and polar, at codon 737 of the CTNNB1 protein (p.His737Arg).

NM_001904.4(CTNNB1):c.2210A>G (p.His737Arg)

Gene: CTNNB1 (catenin beta 1; plus strand). Cytogenetic location: 3p22.1.
Variant type: single nucleotide variant.
Coding change: c.2210A>G on transcript NM_001904.4 (MANE Select); coding-DNA position 2210, A replaced by G.
Protein change: p.His737Arg; replaces histidine 737 with arginine.
Molecular consequence: missense variant.
Genome position (GRCh38, 1-based): chr3:41,239,206, A>G. VCF-style: chr3-41239206-A-G. GRCh37 (hg19) VCF-style: chr3-41280697-A-G.
Other names: c.2210A>G, p.His737Arg (NM_001098209.2, NM_001098210.2); c.2189A>G, p.His730Arg (NM_001330729.2); short protein forms H737R, H730R.
Identifiers: ClinVar variation 1924819 (VCV001924819.5), dbSNP rs746895877, ClinGen allele CA2331312.